The following is an entry in ClinVar:

ClinVar aggregate classification (germline): Uncertain significance. Review status: criteria provided, multiple submitters, no conflicts (2 of 4 stars). 4 submissions from 4 submitters: Uncertain significance (4). Last evaluated 2025-09-15.

Conditions:
Cardiovascular phenotype. Identifiers: MedGen CN230736.
Cardiomyopathy (CMYO). Also called: Cardiomyopathies. Identifiers: Orphanet 167848, MedGen C0878544, MONDO:0004994, HP:0001638. Inheritance: Various modes of inheritance.
Catecholaminergic polymorphic ventricular tachycardia 1. Also called: VENTRICULAR TACHYCARDIA, CATECHOLAMINERGIC POLYMORPHIC, 1, WITH OR WITHOUT ATRIAL DYSFUNCTION AND/OR DILATED CARDIOMYOPATHY; RYR2-Related Catecholaminergic Polymorphic Ventricular Tachycardia; VENTRICULAR TACHYCARDIA, STRESS-INDUCED POLYMORPHIC 1. Identifiers: Orphanet 3286, MedGen C1631597, MONDO:0011484, OMIM 604772.
Arrhythmogenic right ventricular dysplasia 2. Identifiers: MedGen C1832931.
Ventricular arrhythmias due to cardiac ryanodine receptor calcium release deficiency syndrome. Also called: Autosomal dominant cardiac arrhythmia (Kuhn). Identifiers: MedGen C5542154, MONDO:0020745, OMIM 115000.

Allele frequency attached by ClinVar (database versions not stated): ExAC 0.00001; TOPMed 0.00001; gnomAD 0.00001; gnomAD exomes 0.00001.
gnomAD v4.1: 14 of 1,611,152 alleles (0.00087%); highest among the groups gnomAD compares: Non-Finnish European, 0.0012%; no homozygotes.

Submissions (4):

Labcorp Genetics (formerly Invitae), Labcorp
Classification: Uncertain significance for Catecholaminergic polymorphic ventricular tachycardia 1. Last evaluated: 2025-09-15. Review status: criteria provided, single submitter. Criteria: Invitae Variant Classification Sherloc (09022015). Collection method: clinical testing. Allele origin: germline.
Comment: This sequence change replaces serine, which is neutral and polar, with arginine, which is basic and polar, at codon 4539 of the RYR2 protein (p.Ser4539Arg). This variant is present in population databases (rs778498741, gnomAD 0.002%). This variant has not been reported in the literature in individuals affected with RYR2-related conditions. ClinVar contains an entry for this variant (Variation ID: 969642). Invitae Evidence Modeling of protein sequence and biophysical properties (such as structural, functional, and spatial information, amino acid conservation, physicochemical variation, residue mobility, and thermodynamic stability) indicates that this missense variant is not expected to disrupt RYR2 protein function with a negative predictive value of 95%. In summary, the available evidence is currently insufficient to determine the role of this variant in disease. Therefore, it has been classified as a Variant of Uncertain Significance.

Color Diagnostics, LLC DBA Color Health
Classification: Uncertain significance for Cardiomyopathy. Last evaluated: 2024-03-06. Review status: criteria provided, single submitter. Criteria: ACMG Guidelines, 2015. Collection method: clinical testing. Allele origin: germline.
Comment: This missense variant replaces serine with arginine at codon 4539 of the RYR2 protein. Computational prediction suggests that this variant may not impact protein structure and function. To our knowledge, functional studies have not been reported for this variant. This variant has not been reported in individuals affected with RYR2-related disorders in the literature. This variant has been identified in 2/244084 chromosomes in the general population by the Genome Aggregation Database (gnomAD). The available evidence is insufficient to determine the role of this variant in disease conclusively. Therefore, this variant is classified as a Variant of Uncertain Significance.

Fulgent Genetics
Classification: Uncertain significance for Ventricular arrhythmias due to cardiac ryanodine receptor calcium release deficiency syndrome; Catecholaminergic polymorphic ventricular tachycardia 1. Last evaluated: 2021-10-19. Review status: criteria provided, single submitter. Criteria: ACMG Guidelines, 2015. Collection method: clinical testing. Allele origin: unknown.

Ambry Genetics
Classification: Uncertain significance for Cardiovascular phenotype. Last evaluated: 2019-08-12. Review status: criteria provided, single submitter. Criteria: Ambry Variant Classification Scheme 2023. Collection method: clinical testing. Allele origin: germline.
Comment: The p.S4539R variant (also known as c.13615A>C), located in coding exon 94 of the RYR2 gene, results from an A to C substitution at nucleotide position 13615. The serine at codon 4539 is replaced by arginine, an amino acid with dissimilar properties. This amino acid position is not well conserved in available vertebrate species. In addition, the in silico prediction for this alteration is inconclusive. Since supporting evidence is limited at this time, the clinical significance of this alteration remains unclear.

NM_001035.3(RYR2):c.13615A>C (p.Ser4539Arg)

Gene: RYR2 (ryanodine receptor 2; plus strand). Cytogenetic location: 1q43.
Variant type: single nucleotide variant.
Coding change: c.13615A>C on transcript NM_001035.3 (MANE Select); coding-DNA position 13615, A replaced by C.
Protein change: p.Ser4539Arg; replaces serine 4539 with arginine.
Molecular consequence: missense variant.
Genome position (GRCh38, 1-based): chr1:237,792,156, A>C. VCF-style: chr1-237792156-A-C. GRCh37 (hg19) VCF-style: chr1-237955456-A-C.
Other names: short protein forms S4539R.
Identifiers: ClinVar variation 969642 (VCV000969642.12), dbSNP rs778498741, ClinGen allele CA085423.